The following is an entry in ClinVar:

NM_000088.4(COL1A1):c.1522G>A (p.Ala508Thr)

Gene: COL1A1 (collagen type I alpha 1 chain; minus strand). Cytogenetic location: 17q21.33.
Variant type: single nucleotide variant.
Coding change: c.1522G>A on transcript NM_000088.4 (MANE Select); coding-DNA position 1522, G replaced by A.
Protein change: p.Ala508Thr; replaces alanine 508 with threonine.
Molecular consequence: missense variant.
Genome position (GRCh38, 1-based): chr17:50,194,441, C>T on the plus strand (G>A on the coding strand, the complement: COL1A1 is on the minus strand). VCF-style: chr17-50194441-C-T. GRCh37 (hg19) VCF-style: chr17-48271802-C-T.
Other names: p.Ala508Thr; short protein forms A508T.
Identifiers: ClinVar variation 1039638 (VCV001039638.17), dbSNP rs752150906, ClinGen allele CA8645200.

ClinVar aggregate classification (germline): Conflicting classifications of pathogenicity. Review status: criteria provided, conflicting classifications (1 of 4 stars). 7 submissions from 7 submitters: Uncertain significance (4); Likely benign (3). Last evaluated 2026-02-13.

Conditions:
Cardiovascular phenotype. Identifiers: MedGen CN230736.
Osteogenesis imperfecta type I (OI1). Also called: Classic Non-deforming Osteogenesis Imperfecta with Blue Sclerae; Lobstein's Disease; Osteogenesis imperfecta type 1; Lobstein disease; OI, TYPE I; OSTEOGENESIS IMPERFECTA TARDA. Identifiers: Orphanet 216796, Orphanet 666, MedGen C0023931, MONDO:0008146, OMIM 166200. Disease mechanism: loss of function.

Allele frequency attached by ClinVar (database versions not stated): gnomAD 0.00001; ExAC 0.00002; gnomAD exomes 0.00002; TOPMed 0.00003.
gnomAD v4.1: 20 of 1,613,890 alleles (0.0012%); highest among the groups gnomAD compares: East Asian, 0.0067%; no homozygotes.

Submissions (7):

Women's Health and Genetics/Laboratory Corporation of America, LabCorp
Classification: Uncertain significance. Last evaluated: 2026-02-13. Review status: criteria provided, single submitter. Criteria: LabCorp Variant Classification Summary - May 2015. Collection method: clinical testing. Allele origin: germline.
Comment: Variant summary: COL1A1 c.1522G>A (p.Ala508Thr) results in a non-conservative amino acid change in the encoded protein sequence. Algorithms developed to predict the effect of missense changes on protein structure and function are either unavailable or do not agree on the potential impact of this missense change. The variant allele was found at a frequency of 1.6e-05 in 251172 control chromosomes, predominantly at a frequency of 9.8e-05 within the South Asian subpopulation in the gnomAD database. The available data on variant occurrences in the general population are insufficient to allow any conclusion about variant significance. c.1522G>A has been observed in individuals affected with Osteogenesis imperfecta type I (Zhang_2016, Mei_2022). These reports do not provide unequivocal conclusions about association of the variant with Osteogenesis imperfecta type I. To our knowledge, no experimental evidence demonstrating an impact on protein function has been reported. The following publications have been ascertained in the context of this evaluation (PMID: 35909573, 27748872). ClinVar contains an entry for this variant (Variation ID: 1039638). Based on the evidence outlined above, the variant was classified as uncertain significance.

ARUP Laboratories, Molecular Genetics and Genomics, ARUP Laboratories
Classification: Likely benign. Last evaluated: 2025-06-24. Review status: criteria provided, single submitter. Criteria: ARUP Molecular Germline Variant Investigation Process 2024. Collection method: clinical testing. Allele origin: germline.

Labcorp Genetics (formerly Invitae), Labcorp
Classification: Likely benign for Osteogenesis imperfecta type I. Last evaluated: 2025-06-05. Review status: criteria provided, single submitter. Criteria: Invitae Variant Classification Sherloc (09022015). Collection method: clinical testing. Allele origin: germline.

Ambry Genetics
Classification: Uncertain significance for Cardiovascular phenotype. Last evaluated: 2024-08-11. Review status: criteria provided, single submitter. Criteria: Ambry Variant Classification Scheme 2023. Collection method: clinical testing. Allele origin: germline.
Comment: The p.A508T variant (also known as c.1522G>A), located in coding exon 23 of the COL1A1 gene, results from a G to A substitution at nucleotide position 1522. The alanine at codon 508 is replaced by threonine, an amino acid with similar properties. This variant has been detected in a proband with features consistent with osteogenesis imperfecta (OI) and in the proband's father who was not considered to be affected (Zhang H et al. Mol Med Rep, 2016 Nov;14:4918-4926; Mei Y et al. Front Endocrinol (Lausanne), 2022 Jul;13:935905). This variant also co-occurred with a variant in the COL1A2 gene in an individual with feature consistent with OI (Neri Morales C et al. Cureus, 2023 Jan;15:e33864). This amino acid position is not well conserved in available vertebrate species. In addition, this alteration is predicted to be tolerated by in silico analysis. Based on the available evidence, the clinical significance of this variant remains unclear.

GeneDx
Classification: Uncertain significance. Last evaluated: 2024-06-07. Review status: criteria provided, single submitter. Criteria: GeneDx Variant Classification Process June 2021. Collection method: clinical testing. Allele origin: germline. Affected: yes.
Comment: Identified in a patient with osteogenesis imperfecta (PMID: 27748872); Not observed at significant frequency in large population cohorts (gnomAD); In silico analysis indicates that this missense variant does not alter protein structure/function; Occurs in the triple helical domain at the Y position in the canonical Gly-X-Y repeat; although this variant may have an effect on normal protein folding and function, missense substitution at the Y position is not a common mechanism of disease (HGMD); This variant is associated with the following publications: (PMID: 27748872)

Genomic Medicine Center of Excellence, King Faisal Specialist Hospital and Research Centre
Classification: Likely benign for Osteogenesis imperfecta type I. Last evaluated: 2024-04-04. Review status: criteria provided, single submitter. Criteria: ACMG Guidelines, 2015. Collection method: clinical testing. Allele origin: germline.

Mayo Clinic Laboratories, Mayo Clinic
Classification: Uncertain significance. Last evaluated: 2024-03-05. Review status: criteria provided, single submitter. Criteria: ACMG Guidelines, 2015. Collection method: clinical testing. Allele origin: germline. Observed: 1 variant allele.
Comment: BP4

Literature cited by the submitters: PubMed 35909573 (cited by 3 submitters); PubMed 27748872 (cited by 3 submitters); PubMed 36819366 (cited by Ambry Genetics).